The following is an entry in ClinVar:

NM_005228.5(EGFR):c.284C>G (p.Thr95Arg)

Gene: EGFR (epidermal growth factor receptor; plus strand). Cytogenetic location: 7p11.2.
Variant type: single nucleotide variant.
Coding change: c.284C>G on transcript NM_005228.5 (MANE Select); coding-DNA position 284, C replaced by G.
Protein change: p.Thr95Arg; replaces threonine 95 with arginine.
Molecular consequence: missense variant. On other transcripts: intron variant (1).
Genome position (GRCh38, 1-based): chr7:55,143,348, C>G. VCF-style: chr7-55143348-C-G. GRCh37 (hg19) VCF-style: chr7-55211041-C-G.
Other names: NC_000007.13:g.55211041C>G; c.284C>G, p.Thr95Arg (NM_001346897.2, NM_001346898.2, NM_001346899.2 and 3 more transcripts); c.125C>G, p.Thr42Arg (NM_001346900.2); c.89-12482C>G (NM_001346941.2); short protein forms T95R, T42R.
Identifiers: ClinVar variation 4338431 (VCV004338431.2).
Genomic context (GRCh38, chr7:55,143,348, plus strand): 5'-ATGTTTTCTCTTCTTAGACCATCCAGGAGGTGGCTGGTTATGTCCTCATTGCCCTCAACA[C>G]AGTGGAGCGAATTCCTTTGGAAAACCTGCAGATCATCAGAGGAAATATGTACTACGAAAA-3'
Protein context (NP_005219.2, residues 85-105): VAGYVLIALN[Thr95Arg]VERIPLENLQ

ClinVar aggregate classification (germline): Uncertain significance (1 of 4 stars; one submission).

Conditions:
Hereditary cancer-predisposing syndrome. Also called: Neoplastic Syndromes, Hereditary; Tumor predisposition; Hereditary Cancer Syndrome; Hereditary neoplastic syndrome. Identifiers: Orphanet 140162, MedGen C0027672, MeSH D009386, MONDO:0015356.

Submissions (2):

Ambry Genetics
Classification: Uncertain significance for Hereditary cancer-predisposing syndrome. Last evaluated: 2025-10-19. Review status: criteria provided, single submitter. Criteria: Ambry Variant Classification Scheme 2023. Collection method: clinical testing. Allele origin: germline.
Comment: The p.T95R variant (also known as c.284C>G), located in coding exon 3 of the EGFR gene, results from a C to G substitution at nucleotide position 284. The threonine at codon 95 is replaced by arginine, an amino acid with similar properties. This amino acid position is conserved. In addition, the in silico prediction for this alteration is inconclusive. Based on the available evidence, the clinical significance of this variant remains unclear.

Dr. Peter K. Rogan Lab, Western University
No classification provided (evidence only). Condition: Ovarian serous cystadenocarcinoma. Review status: no classification provided. Collection method: in vitro. Allele origin: not applicable. Functional consequence: retained intron. Not counted in ClinVar's aggregate classification.